The following is an entry in ClinVar:

ClinVar aggregate classification (germline): Likely benign. Review status: criteria provided, single submitter (1 of 4 stars). 2 submissions from 2 submitters: Likely benign (1). 1 of the submissions does not count toward it. Last evaluated 2026-01-20.

Conditions:
ABCC2-related disorder. Also called: ABCC2-related condition.

Allele frequency attached by ClinVar (database versions not stated): 1000 Genomes Project 0.00020; TOPMed 0.00014; ESP Exome Variant Server 0.00015; 1000 Genomes Project 30x 0.00016; gnomAD 0.00011.
gnomAD v4.1: 29 of 1,613,658 alleles (0.0018%); highest among the groups gnomAD compares: African/African-American, 0.039%; no homozygotes.

Submissions (2):

Labcorp Genetics (formerly Invitae), Labcorp
Classification: Likely benign. Last evaluated: 2026-01-20. Review status: criteria provided, single submitter. Criteria: Invitae Variant Classification Sherloc (09022015). Collection method: clinical testing. Allele origin: germline.

PreventionGenetics, part of Exact Sciences
Classification: Likely benign for ABCC2-related condition. Last evaluated: 2024-02-19. Review status: no assertion criteria provided. Collection method: clinical testing. Allele origin: germline. Not counted in ClinVar's aggregate classification.
Comment: This variant is classified as likely benign based on ACMG/AMP sequence variant interpretation guidelines (Richards et al. 2015 PMID: 25741868, with internal and published modifications).

NM_000392.5(ABCC2):c.1845G>A (p.Lys615=)

Gene: ABCC2 (ATP binding cassette subfamily C member 2; plus strand). Cytogenetic location: 10q24.2.
Variant type: single nucleotide variant.
Coding change: c.1845G>A on transcript NM_000392.5 (MANE Select); coding-DNA position 1845, G replaced by A.
Protein change: p.Lys615=; no amino-acid change (lysine 615 retained).
Molecular consequence: synonymous variant.
Genome position (GRCh38, 1-based): chr10:99,810,163, G>A. VCF-style: chr10-99810163-G-A. GRCh37 (hg19) VCF-style: chr10-101569920-G-A.
Other names: c.1845G>A (NM_000392.4).
Identifiers: ClinVar variation 2976780 (VCV002976780.5), dbSNP rs148300008, ClinGen allele CA5643307.